The following is an entry in ClinVar:

NM_000051.4(ATM):c.752del (p.Val251fs)

Gene: ATM (ATM serine/threonine kinase; plus strand). Cytogenetic location: 11q22.3.
Variant type: Deletion.
Coding change: c.752del on transcript NM_000051.4 (MANE Select); coding-DNA position 752, one base deleted (T; older notation c.752delT).
Protein change: p.Val251fs; shifts the reading frame from valine 251.
Molecular consequence: frameshift variant.
Genome position (GRCh38, 1-based): chr11:108,244,877, T deleted. VCF-style (leftmost placement, unchanged base first): chr11-108244876-GT-G. GRCh37 (hg19) VCF-style: chr11-108115603-GT-G.
Other names: c.752del, p.Val251fs (NM_001351834.2); short protein forms V251fs.
Identifiers: ClinVar variation 4690222 (VCV004690222.1).
Genomic context (GRCh38, chr11:108,244,876, plus strand): 5'-CATATCTTAGCAGCTCTTACTATCTTCCTCAAGACTTTGGCTGTCAACTTTCGAATTCGA[GT>G]GTGTGAATTAGGAGATGAAATTCTTCCCACTTTGCTTTATATTTGGACTCAACATAGGCT-3'

ClinVar aggregate classification (germline): Likely pathogenic (1 of 4 stars; one submission).

Conditions:
Familial cancer of breast. Also called: BREAST CANCER, FAMILIAL; hereditary breast carcinoma; Hereditary breast cancer. Identifiers: Orphanet 227535, MedGen C0346153, MONDO:0016419, OMIM 114480. Disease mechanism: loss of function.

Submission:

EVOGEN
Classification: Likely pathogenic for Familial cancer of breast. Last evaluated: 2024-07-27. Review status: criteria provided, single submitter. Criteria: ACMG Guidelines, 2015. Collection method: clinical testing. Allele origin: germline. Affected: yes.
Comment: PVS1: Null variant (frame-shift) in gene ATM, predicted to cause NMD. Loss-of-function is a known mechanism of disease (gene has 3 549 reported pathogenic LOF variants). The exon contains 85 pathogenic variants. The truncated region contains 3 494 pathogenic variants. PM2: Variant not found in gnomAD genomes, good gnomAD genomes coverage = 30.5. Variant not found in gnomAD exomes, good gnomAD exomes coverage = 34.1. Moscow City Health Department financial support